The following is an entry in ClinVar:

NM_006648.4(WNK2):c.3557G>A (p.Arg1186Gln)

Gene: WNK2 (WNK lysine deficient protein kinase 2; plus strand). Cytogenetic location: 9q22.31.
Variant type: single nucleotide variant.
Coding change: c.3557G>A on transcript NM_006648.4 (MANE Select); coding-DNA position 3557, G replaced by A.
Protein change: p.Arg1186Gln; replaces arginine 1186 with glutamine.
Molecular consequence: missense variant.
Genome position (GRCh38, 1-based): chr9:93,263,712, G>A. VCF-style: chr9-93263712-G-A. GRCh37 (hg19) VCF-style: chr9-96025994-G-A.
Other names: c.3557G>A, p.Arg1186Gln (NM_001282394.3); short protein forms R1186Q.
Identifiers: ClinVar variation 3470565 (VCV003470565.1).

ClinVar aggregate classification (germline): Uncertain significance (1 of 4 stars; one submission).

gnomAD v4.1: 5 of 1,524,088 alleles (0.00033%); highest among the groups gnomAD compares: East Asian, 0.0024%; no homozygotes.

Submission:

Ambry Genetics
Classification: Uncertain significance. Last evaluated: 2024-12-02. Review status: criteria provided, single submitter. Criteria: Ambry Variant Classification Scheme 2023. Collection method: clinical testing. Allele origin: germline.
Comment: The p.R1186Q variant (also known as c.3557G>A), located in coding exon 14 of the WNK2 gene, results from a G to A substitution at nucleotide position 3557. The arginine at codon 1186 is replaced by glutamine, an amino acid with highly similar properties. This amino acid position is conserved. In addition, this alteration is predicted to be tolerated by in silico analysis. Based on the available evidence, the clinical significance of this variant remains unclear.